The following is an entry in ClinVar:

NM_000094.4(COL7A1):c.7535_7542del (p.Ser2512fs)

Gene: COL7A1 (collagen type VII alpha 1 chain; minus strand). Cytogenetic location: 3p21.31.
Variant type: Deletion.
Coding change: c.7535_7542del on transcript NM_000094.4 (MANE Select); coding-DNA positions 7535 to 7542, 8 bases deleted (GTGCAGGA; older notation c.7535_7542delGTGCAGGA).
Protein change: p.Ser2512fs; shifts the reading frame from serine 2512.
Molecular consequence: frameshift variant.
Genome position (GRCh38, 1-based): chr3:48,569,740-48,569,747, TCCTGCAC deleted on the plus strand (GTGCAGGA on the coding strand, the reverse complement: COL7A1 is on the minus strand); deleting any 8 consecutive bases within chr3:48,569,740-48,569,750 gives the same sequence; the c. name uses the placement nearest the transcript's 3' end. VCF-style (leftmost placement, unchanged base first): chr3-48569739-GTCCTGCAC-G. GRCh37 (hg19) VCF-style: chr3-48607172-GTCCTGCAC-G.
Other names: short protein forms S2512fs.
Identifiers: ClinVar variation 2846793 (VCV002846793.3), dbSNP rs2530848882, ClinGen allele CA2739278438.

ClinVar aggregate classification (germline): Pathogenic (1 of 4 stars; one submission).

Submission:

Labcorp Genetics (formerly Invitae), Labcorp
Classification: Pathogenic. Last evaluated: 2023-03-17. Review status: criteria provided, single submitter. Criteria: Invitae Variant Classification Sherloc (09022015). Collection method: clinical testing. Allele origin: germline.
Comment: This sequence change creates a premature translational stop signal (p.Ser2512Thrfs*4) in the COL7A1 gene. It is expected to result in an absent or disrupted protein product. Loss-of-function variants in COL7A1 are known to be pathogenic (PMID: 16971478). This variant is not present in population databases (gnomAD no frequency). This variant has not been reported in the literature in individuals affected with COL7A1-related conditions. Algorithms developed to predict the effect of sequence changes on RNA splicing suggest that this variant may disrupt the consensus splice site. For these reasons, this variant has been classified as Pathogenic.

Literature cited by the submitters: PubMed 16971478.